The following is an entry in ClinVar:

NM_000018.4(ACADVL):c.455G>A (p.Gly152Asp)

Gene: ACADVL (acyl-CoA dehydrogenase very long chain; plus strand). Cytogenetic location: 17p13.1.
Variant type: single nucleotide variant.
Coding change: c.455G>A on transcript NM_000018.4 (MANE Select); coding-DNA position 455, G replaced by A.
Protein change: p.Gly152Asp; replaces glycine 152 with aspartic acid.
Molecular consequence: missense variant.
Genome position (GRCh38, 1-based): chr17:7,221,036, G>A. VCF-style: chr17-7221036-G-A. GRCh37 (hg19) VCF-style: chr17-7124355-G-A.
Other names: c.389G>A, p.Gly130Asp (NM_001033859.3); c.524G>A, p.Gly175Asp (NM_001270447.2); c.227G>A, p.Gly76Asp (NM_001270448.2); short protein forms G152D, G76D, G130D, G175D.
Identifiers: ClinVar variation 198026 (VCV000198026.14), dbSNP rs794727772, ClinGen allele CA246508.
Genomic context (GRCh38, chr17:7,221,036, plus strand): 5'-CTTGGCAGGGCCTCAAGGAGCTGGGGGCCTTTGGTCTGCAAGTGCCCAGTGAGCTGGGTG[G>A]TGTGGGCCTTTGCAACACCCAGGTGAGGGCGCCCTATCGCCACATCCCAGTATGCCATAC-3'
Protein context (NP_000009.1, residues 142-162): FGLQVPSELG[Gly152Asp]VGLCNTQYAR

ClinVar aggregate classification (germline): Conflicting classifications of pathogenicity. Review status: criteria provided, conflicting classifications (1 of 4 stars). 2 submissions from 2 submitters: Likely pathogenic (1); Uncertain significance (1). Last evaluated 2022-11-29.

Conditions:
Very long chain acyl-CoA dehydrogenase deficiency (ACADVLD). Also called: VLCAD Deficiency; Very Long-Chain Acyl-Coenzyme A Dehydrogenase Deficiency. Identifiers: Orphanet 26793, MedGen C3887523, MONDO:0008723, OMIM 201475.

Submissions (2):

Labcorp Genetics (formerly Invitae), Labcorp
Classification: Likely pathogenic for Very long chain acyl-CoA dehydrogenase deficiency. Last evaluated: 2022-11-29. Review status: criteria provided, single submitter. Criteria: Invitae Variant Classification Sherloc (09022015). Collection method: clinical testing. Allele origin: germline.
Comment: This missense change has been observed in individual(s) with very long chain acyl-CoA dehydrogenase (VLCAD) deficiency (PMID: 19327992). ClinVar contains an entry for this variant (Variation ID: 198026). Advanced modeling of protein sequence and biophysical properties (such as structural, functional, and spatial information, amino acid conservation, physicochemical variation, residue mobility, and thermodynamic stability) performed at Invitae indicates that this missense variant is expected to disrupt ACADVL protein function. In summary, the currently available evidence indicates that the variant is pathogenic, but additional data are needed to prove that conclusively. Therefore, this variant has been classified as Likely Pathogenic. This sequence change replaces glycine, which is neutral and non-polar, with aspartic acid, which is acidic and polar, at codon 152 of the ACADVL protein (p.Gly152Asp). This variant is not present in population databases (gnomAD no frequency).

Eurofins Ntd Llc (ga)
Classification: Uncertain significance. Last evaluated: 2015-02-20. Review status: criteria provided, single submitter. Criteria: EGL Classification Definitions 2015. Collection method: clinical testing. Allele origin: germline. Observed: 1 variant allele, 1 heterozygote.

Literature cited by the submitters: PubMed 19327992 (cited by Labcorp Genetics (formerly Invitae), Labcorp and Eurofins Ntd Llc (ga)).